The following continues an entry in ClinVar:

NM_032043.3(BRIP1):c.2038_2039dup (p.Leu680fs)

Gene: BRIP1. ClinVar aggregate classification (germline): Pathogenic. Pathogenic (16).

Submissions 16 to 23 of 23:

University of Washington Department of Laboratory Medicine, University of Washington
Classification: Pathogenic for Hereditary cancer-predisposing syndrome. Last evaluated: 2015-11-20. Review status: criteria provided, single submitter. Criteria: Shirts et al. (Genet Med 2016). Collection method: clinical testing. Allele origin: germline. Affected: yes. Observed: 1 variant allele.

CZECANCA consortium
Classification: Pathogenic for Uterine corpus cancer. Last evaluated: 2023-02-21. Review status: no assertion criteria provided. Collection method: clinical testing. Allele origin: germline. Affected: yes. Observed: 1 variant allele. Not counted in ClinVar's aggregate classification.

CZECANCA consortium
Classification: Pathogenic for Breast and/or ovarian cancer. Last evaluated: 2019-06-11. Review status: no assertion criteria provided. Collection method: clinical testing. Allele origin: germline. Affected: yes. Observed: 1 variant allele. Not counted in ClinVar's aggregate classification.

Counsyl
Classification: Likely pathogenic for Fanconi anemia complementation group J. Last evaluated: 2016-08-10. Review status: no assertion criteria provided. Collection method: clinical testing. Allele origin: unknown. Not counted in ClinVar's aggregate classification.

Counsyl
Classification: Likely pathogenic for Ovarian cancer. Last evaluated: 2016-08-10. Review status: no assertion criteria provided. Collection method: clinical testing. Allele origin: unknown. Not counted in ClinVar's aggregate classification.

ITMI
No classification provided. Condition: AllHighlyPenetrant. Last evaluated: 2013-09-19. Review status: no classification provided. Collection method: reference population. Allele origin: germline. Not counted in ClinVar's aggregate classification.
Comment: Please see associated publication for description of ethnicities

Genome Diagnostics Laboratory, Amsterdam University Medical Center
Classification: Pathogenic. Review status: no assertion criteria provided. Collection method: clinical testing. Allele origin: germline. Affected: yes. Study: VKGL Data-share Consensus. Not counted in ClinVar's aggregate classification.

Genome Diagnostics Laboratory, University Medical Center Utrecht
Classification: Pathogenic. Review status: no assertion criteria provided. Collection method: clinical testing. Allele origin: germline. Affected: yes. Study: VKGL Data-share Consensus. Not counted in ClinVar's aggregate classification.

Literature cited by the submitters: PubMed 16116423 (cited by Labcorp Genetics (formerly Invitae), Labcorp); PubMed 17033622 (cited by Labcorp Genetics (formerly Invitae), Labcorp); PubMed 21964575 (cited by 3 submitters); PubMed 25452441 (cited by 5 submitters); PubMed 26315354 (cited by 7 submitters); PubMed 26681312 (cited by 6 submitters); PubMed 26845104 (cited by 5 submitters); PubMed 26921362 (cited by 4 submitters); PubMed 30254378 (cited by Color Diagnostics, LLC DBA Color Health and Ambry Genetics); PubMed 33471991 (cited by 3 submitters); PubMed 34994648 (cited by Color Diagnostics, LLC DBA Color Health and Quest Diagnostics Nichols Institute San Juan Capistrano); PubMed 28888541 (cited by Mayo Clinic Laboratories, Mayo Clinic); PubMed 32359370 (cited by Mayo Clinic Laboratories, Mayo Clinic); PubMed 25807282 (cited by Ambry Genetics); PubMed 21934575 (cited by Department of Pathology and Laboratory Medicine, Sinai Health System); PubMed 32295079 (cited by CZECANCA consortium); PubMed 24728327 (cited by ITMI).